The following is an entry in ClinVar:

NM_002691.4(POLD1):c.1532A>G (p.Tyr511Cys)

Gene: POLD1 (DNA polymerase delta 1, catalytic subunit; plus strand). Cytogenetic location: 19q13.33.
Variant type: single nucleotide variant.
Coding change: c.1532A>G on transcript NM_002691.4 (MANE Select); coding-DNA position 1532, A replaced by G.
Protein change: p.Tyr511Cys; replaces tyrosine 511 with cysteine.
Molecular consequence: missense variant. On other transcripts: non-coding transcript variant (1).
Genome position (GRCh38, 1-based): chr19:50,407,020, A>G. VCF-style: chr19-50407020-A-G. GRCh37 (hg19) VCF-style: chr19-50910277-A-G.
Other names: c.1532A>G, p.Tyr511Cys (NM_001256849.1, NM_001308632.1); short protein forms Y511C.
Identifiers: ClinVar variation 3421932 (VCV003421932.1).

ClinVar aggregate classification (germline): Uncertain significance (1 of 4 stars; one submission).

Conditions:
Hereditary cancer-predisposing syndrome. Also called: Neoplastic Syndromes, Hereditary; Tumor predisposition; Hereditary Cancer Syndrome; Hereditary neoplastic syndrome. Identifiers: Orphanet 140162, MedGen C0027672, MeSH D009386, MONDO:0015356.

Submission:

Ambry Genetics
Classification: Uncertain significance for Hereditary cancer-predisposing syndrome. Last evaluated: 2024-09-23. Review status: criteria provided, single submitter. Criteria: Ambry Variant Classification Scheme 2023. Collection method: clinical testing. Allele origin: germline.
Comment: The p.Y511C variant (also known as c.1532A>G), located in coding exon 12 of the POLD1 gene, results from an A to G substitution at nucleotide position 1532. The tyrosine at codon 511 is replaced by cysteine, an amino acid with highly dissimilar properties. This amino acid position is conserved. In addition, this alteration is predicted to be deleterious by in silico analysis. Based on the available evidence, the clinical significance of this variant remains unclear.